The following is an entry in ClinVar:

NM_006231.4(POLE):c.1103A>T (p.Asp368Val)

Gene: POLE (DNA polymerase epsilon, catalytic subunit; minus strand). Cytogenetic location: 12q24.33.
Variant type: single nucleotide variant.
Coding change: c.1103A>T on transcript NM_006231.4 (MANE Select); coding-DNA position 1103, A replaced by T.
Protein change: p.Asp368Val; replaces aspartic acid 368 with valine.
Molecular consequence: missense variant.
Genome position (GRCh38, 1-based): chr12:132,675,738, T>A on the plus strand (A>T on the coding strand, the complement: POLE is on the minus strand). VCF-style: chr12-132675738-T-A. GRCh37 (hg19) VCF-style: chr12-133252324-T-A.
Other names: short protein forms D368V.
Identifiers: ClinVar variation 3935712 (VCV003935712.1).

ClinVar aggregate classification (germline): Uncertain significance (1 of 4 stars; one submission).

Conditions:
Hereditary cancer-predisposing syndrome. Also called: Tumor predisposition; Hereditary neoplastic syndrome; Hereditary Cancer Syndrome; Neoplastic Syndromes, Hereditary. Identifiers: Orphanet 140162, MedGen C0027672, MeSH D009386, MONDO:0015356.

Submission:

Ambry Genetics
Classification: Uncertain significance for Hereditary cancer-predisposing syndrome. Last evaluated: 2025-04-18. Review status: criteria provided, single submitter. Criteria: Ambry Variant Classification Scheme 2023. Collection method: clinical testing. Allele origin: germline.
Comment: The p.D368V variant (also known as c.1103A>T), located in coding exon 11 of the POLE gene, results from an A to T substitution at nucleotide position 1103. The aspartic acid at codon 368 is replaced by valine, an amino acid with highly dissimilar properties. This amino acid position is highly conserved in available vertebrate species. In addition, this alteration is predicted to be deleterious by in silico analysis. Based on the available evidence, the clinical significance of this variant remains unclear.